The following is an entry in ClinVar:

NM_001283009.2(RTEL1):c.1637-3C>T

Genes: RTEL1 (regulator of telomere elongation helicase 1; plus strand), RTEL1-TNFRSF6B (RTEL1-TNFRSF6B readthrough (NMD candidate); plus strand). Cytogenetic location: 20q13.33.
Variant type: single nucleotide variant.
Coding change: c.1637-3C>T on transcript NM_001283009.2 (MANE Select); 3 bases into the intron before coding-DNA position 1637, C replaced by T.
Molecular consequence: intron variant.
Genome position (GRCh38, 1-based): chr20:63,688,298, C>T. VCF-style: chr20-63688298-C-T. GRCh37 (hg19) VCF-style: chr20-62319651-C-T.
Other names: c.968-3C>T (NM_001283010.1); c.1709-3C>T (NM_032957.5); c.1637-3C>T (NM_016434.4).
Identifiers: ClinVar variation 3763738 (VCV003763738.2).

ClinVar aggregate classification (germline): Uncertain significance (1 of 4 stars; one submission).

Conditions:
Dyskeratosis congenita, autosomal recessive 5 (DKCB5). Identifiers: MedGen C3554656, MONDO:0014076, OMIM 615190.
Pulmonary fibrosis and/or bone marrow failure, Telomere-related, 3. Also called: PULMONARY FIBROSIS AND/OR BONE MARROW FAILURE SYNDROME, TELOMERE-RELATED, 3. Identifiers: Orphanet 2032, MedGen C4225346, MONDO:0014613, OMIM 616373.

gnomAD v4.1: 2 of 1,612,046 alleles (0.00012%); highest among the groups gnomAD compares: Non-Finnish European, 0.00017%; no homozygotes.

Submission:

Labcorp Genetics (formerly Invitae), Labcorp
Classification: Uncertain significance for Dyskeratosis congenita, autosomal recessive 5; Pulmonary fibrosis and/or bone marrow failure, Telomere-related, 3. Last evaluated: 2024-10-22. Review status: criteria provided, single submitter. Criteria: Invitae Variant Classification Sherloc (09022015). Collection method: clinical testing. Allele origin: germline.
Comment: This sequence change falls in intron 19 of the RTEL1 gene. It does not directly change the encoded amino acid sequence of the RTEL1 protein. It affects a nucleotide within the consensus splice site. This variant is not present in population databases (gnomAD no frequency). This variant has not been reported in the literature in individuals affected with RTEL1-related conditions. Variants that disrupt the consensus splice site are a relatively common cause of aberrant splicing (PMID: 17576681, 9536098). Algorithms developed to predict the effect of sequence changes on RNA splicing suggest that this variant is not likely to affect RNA splicing. In summary, the available evidence is currently insufficient to determine the role of this variant in disease. Therefore, it has been classified as a Variant of Uncertain Significance.

Literature cited by the submitters: PubMed 17576681; PubMed 9536098.